The following is an entry in ClinVar:

NM_053025.4(MYLK):c.2370C>T (p.Gly790=)

Gene: MYLK (myosin light chain kinase; minus strand). Cytogenetic location: 3q21.1.
Variant type: single nucleotide variant.
Coding change: c.2370C>T on transcript NM_053025.4 (MANE Select); coding-DNA position 2370, C replaced by T.
Protein change: p.Gly790=; no amino-acid change (glycine 790 retained).
Molecular consequence: synonymous variant.
Genome position (GRCh38, 1-based): chr3:123,707,774, G>A on the plus strand (C>T on the coding strand, the complement: MYLK is on the minus strand). VCF-style: chr3-123707774-G-A. GRCh37 (hg19) VCF-style: chr3-123426621-G-A.
Other names: c.1842C>T, p.Gly614= (NM_001321309.2); c.2163C>T, p.Gly721= (NM_053026.4, NM_053028.4); c.2370C>T, p.Gly790= (NM_053027.4).
Identifiers: ClinVar variation 3712760 (VCV003712760.2).
Genomic context (GRCh38, chr3:123,707,774, plus strand): 5'-GGGAAGGGTTAAGGGAGGCTGGCTGGACATGCAGACTCACTTGAGCAGGATCTCATACTG[G>A]CCGGCATGCCAGGGCTGCACCTTCTTTAGAACCAGGGTGAACACGTCCTCATTCTGAAGC-3'
Protein context (NP_444253.3, residues 780-800): VLKKVQPWHA[Gly790=]QYEILLKNRV

ClinVar aggregate classification (germline): Uncertain significance (1 of 4 stars; one submission).

Conditions:
Aortic aneurysm, familial thoracic 7 (AAT7). Also called: AORTIC DISSECTION, FAMILIAL, WITH OR WITHOUT AORTIC ANEURYSM. Identifiers: MedGen C3151077, MONDO:0013418, OMIM 613780.

Submission:

Labcorp Genetics (formerly Invitae), Labcorp
Classification: Uncertain significance for Aortic aneurysm, familial thoracic 7. Last evaluated: 2024-12-25. Review status: criteria provided, single submitter. Criteria: Invitae Variant Classification Sherloc (09022015). Collection method: clinical testing. Allele origin: germline.
Comment: This sequence change affects codon 790 of the MYLK mRNA. It is a 'silent' change, meaning that it does not change the encoded amino acid sequence of the MYLK protein. This variant is not present in population databases (gnomAD no frequency). This variant has not been reported in the literature in individuals affected with MYLK-related conditions. Algorithms developed to predict the effect of sequence changes on RNA splicing suggest that this variant may disrupt the consensus splice site. In summary, the available evidence is currently insufficient to determine the role of this variant in disease. Therefore, it has been classified as a Variant of Uncertain Significance.